The following is an entry in ClinVar:

ClinVar aggregate classification (germline): Conflicting classifications of pathogenicity. Review status: criteria provided, conflicting classifications (1 of 4 stars). 6 submissions from 4 submitters: Uncertain significance (3); Likely benign (2). 1 of the submissions does not count toward it. Last evaluated 2023-02-08.

Conditions:
Familial Mediterranean fever, autosomal dominant. Also called: Dominant Familial Mediterranean Fever; FMF, AUTOSOMAL DOMINANT. Identifiers: Orphanet 342, MedGen C1851347, MONDO:0007601, OMIM 134610.
Acute febrile neutrophilic dermatosis (AFND). Also called: Sweet Syndrome; Gomm Button disease. Identifiers: Orphanet 3243, MedGen C0085077, MONDO:0011959, OMIM 608068.
Familial Mediterranean fever (FMF). Also called: POLYSEROSITIS, FAMILIAL PAROXYSMAL; POLYSEROSITIS, RECURRENT; Periodic peritonitis; Benign paroxysmal peritonitis. Identifiers: Orphanet 342, MedGen C0031069, MONDO:0018088, OMIM 249100. Disease mechanism: gain of function.

Allele frequency attached by ClinVar (database versions not stated): ESP Exome Variant Server 0.00016; ExAC 0.00001; gnomAD 0.00003 and 0.00004; TOPMed 0.00005; gnomAD exomes 0.00002.
gnomAD v4.1: 6 of 1,612,628 alleles (0.00037%); highest among the groups gnomAD compares: African/African-American, 0.008%; no homozygotes.

Submissions (6):

Genome-Nilou Lab
Classification: Uncertain significance for Familial Mediterranean fever. Last evaluated: 2023-02-08. Review status: criteria provided, single submitter. Criteria: ACMG Guidelines, 2015. Collection method: clinical testing. Allele origin: germline.

Genome-Nilou Lab
Classification: Likely benign for Familial Mediterranean fever, autosomal dominant. Last evaluated: 2023-02-08. Review status: criteria provided, single submitter. Criteria: ACMG Guidelines, 2015. Collection method: clinical testing. Allele origin: germline.

Genome-Nilou Lab
Classification: Likely benign for Acute febrile neutrophilic dermatosis. Last evaluated: 2023-02-08. Review status: criteria provided, single submitter. Criteria: ACMG Guidelines, 2015. Collection method: clinical testing. Allele origin: germline.

Labcorp Genetics (formerly Invitae), Labcorp
Classification: Uncertain significance for Familial Mediterranean fever. Last evaluated: 2022-02-28. Review status: criteria provided, single submitter. Criteria: Invitae Variant Classification Sherloc (09022015). Collection method: clinical testing. Allele origin: germline.
Comment: This sequence change replaces serine, which is neutral and polar, with cysteine, which is neutral and slightly polar, at codon 104 of the MEFV protein (p.Ser104Cys). This variant is present in population databases (rs151306047, gnomAD 0.02%). This missense change has been observed in individual(s) with clinical features of familial Mediterranean fever (PMID: 31989427, 32199921). ClinVar contains an entry for this variant (Variation ID: 578339). Algorithms developed to predict the effect of missense changes on protein structure and function are either unavailable or do not agree on the potential impact of this missense change (SIFT: "Deleterious"; PolyPhen-2: "Benign"; Align-GVGD: "Class C0"). In summary, the available evidence is currently insufficient to determine the role of this variant in disease. Therefore, it has been classified as a Variant of Uncertain Significance.

Fulgent Genetics
Classification: Uncertain significance for Familial Mediterranean fever, autosomal dominant; Familial Mediterranean fever; Acute febrile neutrophilic dermatosis. Last evaluated: 2021-12-15. Review status: criteria provided, single submitter. Criteria: ACMG Guidelines, 2015. Collection method: clinical testing. Allele origin: unknown.

Natera, Inc.
Classification: Uncertain significance for Familial Mediterranean fever. Last evaluated: 2019-10-28. Review status: no assertion criteria provided. Collection method: clinical testing. Allele origin: germline. Not counted in ClinVar's aggregate classification.

Literature cited by the submitters: PubMed 31989427 (cited by Labcorp Genetics (formerly Invitae), Labcorp); PubMed 32199921 (cited by Labcorp Genetics (formerly Invitae), Labcorp).

NM_000243.3(MEFV):c.311C>G (p.Ser104Cys)

Gene: MEFV (MEFV innate immunity regulator, pyrin; minus strand). Cytogenetic location: 16p13.3.
Variant type: single nucleotide variant.
Coding change: c.311C>G on transcript NM_000243.3 (MANE Select); coding-DNA position 311, C replaced by G.
Protein change: p.Ser104Cys; replaces serine 104 with cysteine.
Molecular consequence: missense variant. On other transcripts: intron variant (1).
Genome position (GRCh38, 1-based): chr16:3,254,757, G>C on the plus strand (C>G on the coding strand, the complement: MEFV is on the minus strand). VCF-style: chr16-3254757-G-C. GRCh37 (hg19) VCF-style: chr16-3304757-G-C.
Other names: c.277+1554C>G (NM_001198536.2); short protein forms S104C.
Identifiers: ClinVar variation 578339 (VCV000578339.13), dbSNP rs151306047, ClinGen allele CA7860459.